The following is an entry in ClinVar:

NM_004369.4(COL6A3):c.4289T>A (p.Val1430Asp)

Gene: COL6A3 (collagen type VI alpha 3 chain; minus strand). Cytogenetic location: 2q37.3.
Variant type: single nucleotide variant.
Coding change: c.4289T>A on transcript NM_004369.4 (MANE Select); coding-DNA position 4289, T replaced by A.
Protein change: p.Val1430Asp; replaces valine 1430 with aspartic acid.
Molecular consequence: missense variant.
Genome position (GRCh38, 1-based): chr2:237,369,174, A>T on the plus strand (T>A on the coding strand, the complement: COL6A3 is on the minus strand). VCF-style: chr2-237369174-A-T. GRCh37 (hg19) VCF-style: chr2-238277817-A-T.
Other names: c.2468T>A, p.Val823Asp (NM_057166.5); c.3671T>A, p.Val1224Asp (NM_057167.4); short protein forms V1430D, V1224D, V823D.
Identifiers: ClinVar variation 3693872 (VCV003693872.2).
Genomic context (GRCh38, chr2:237,369,174, plus strand): 5'-TCTGGCCTAACTCCCTCAGAGCTGTCGATCAGAAAGACAATGTCTGCAGCATCACTCTCA[A>T]CTGCTGCAGATCAAAGAAGAAAAAGGGAAACATTCAGTGTGTAAGTAGCCCTCACCCAGG-3'
Protein context (NP_004360.2, residues 1420-1440): LASTRYPPPA[Val1430Asp]ESDAADIVFL

ClinVar aggregate classification (germline): Uncertain significance (1 of 4 stars; one submission).

Conditions:
Bethlem myopathy 1A. Also called: MYOPATHY, BENIGN CONGENITAL, WITH CONTRACTURES; Bethlem myopathy 1; Bethlem Muscular Dystrophy. Identifiers: Orphanet 610, MedGen CN029274, MONDO:0024530, OMIM 158810.

Submission:

Labcorp Genetics (formerly Invitae), Labcorp
Classification: Uncertain significance for Bethlem myopathy 1A. Last evaluated: 2024-05-28. Review status: criteria provided, single submitter. Criteria: Invitae Variant Classification Sherloc (09022015). Collection method: clinical testing. Allele origin: germline.
Comment: This sequence change replaces valine, which is neutral and non-polar, with aspartic acid, which is acidic and polar, at codon 1430 of the COL6A3 protein (p.Val1430Asp). This variant is not present in population databases (gnomAD no frequency). This variant has not been reported in the literature in individuals affected with COL6A3-related conditions. Advanced modeling of protein sequence and biophysical properties (such as structural, functional, and spatial information, amino acid conservation, physicochemical variation, residue mobility, and thermodynamic stability) performed at Invitae indicates that this missense variant is not expected to disrupt COL6A3 protein function with a negative predictive value of 80%. Algorithms developed to predict the effect of sequence changes on RNA splicing suggest that this variant may create or strengthen a splice site. In summary, the available evidence is currently insufficient to determine the role of this variant in disease. Therefore, it has been classified as a Variant of Uncertain Significance.